The following is an entry in ClinVar:

ClinVar aggregate classification (germline): Likely benign (1 of 4 stars; one submission).

Submission:

GeneDx
Classification: Likely benign. Last evaluated: 2021-05-22. Review status: criteria provided, single submitter. Criteria: GeneDx Variant Classification Process June 2021. Collection method: clinical testing. Allele origin: germline. Affected: yes.
Comment: See Variant Classification Assertion Criteria.

NM_182894.3(VSX2):c.456-156AG[6]

Gene: VSX2 (visual system homeobox 2; plus strand). Cytogenetic location: 14q24.3.
Variant type: Microsatellite.
Coding change: c.456-156AG[6] on transcript NM_182894.3 (MANE Select); six copies in a row of the 2-base unit AG starting at c.456-156.
Molecular consequence: intron variant.
Genome position: GRCh38 VCF-style: chr14-74245008-CAGAGAGAG-C. GRCh37 (hg19) VCF-style: chr14-74711711-CAGAGAGAG-C.
Identifiers: ClinVar variation 1707119 (VCV001707119.2), dbSNP rs374813517, ClinGen allele CA615029193.